The following is an entry in ClinVar:

NM_000179.3(MSH6):c.1299T>A (p.Tyr433Ter)

Gene: MSH6 (mutS homolog 6; plus strand). Cytogenetic location: 2p16.3.
Variant type: single nucleotide variant.
Coding change: c.1299T>A on transcript NM_000179.3 (MANE Select); coding-DNA position 1299, T replaced by A.
Protein change: p.Tyr433Ter; replaces tyrosine 433 with a stop codon.
Molecular consequence: nonsense.
Genome position (GRCh38, 1-based): chr2:47,799,282, T>A. VCF-style: chr2-47799282-T-A. GRCh37 (hg19) VCF-style: chr2-48026421-T-A.
Other names: c.909T>A, p.Tyr303Ter (NM_001281492.2); c.393T>A, p.Tyr131Ter (NM_001281493.2, NM_001281494.2); short protein forms Y433*, Y131*, Y303*.
Identifiers: ClinVar variation 89185 (VCV000089185.4), dbSNP rs267608055, ClinGen allele CA008461.

ClinVar aggregate classification (germline): Pathogenic. Review status: reviewed by expert panel (3 of 4 stars). 3 submissions from 3 submitters: Pathogenic (1). 2 of the submissions do not count toward it. Last evaluated 2013-09-05.

Conditions:
Lynch syndrome 5 (LYNCH5). Also called: Hereditary non-polyposis colorectal cancer, type 5; Colorectal cancer, hereditary nonpolyposis, type 5. Identifiers: Orphanet 144, MedGen C1833477, MONDO:0013710, OMIM 614350. Disease mechanism: loss of function.
Lynch syndrome. Identifiers: Orphanet 144, MedGen C4552100, MONDO:0005835. Disease mechanism: loss of function.

Submissions (3):

International Society for Gastrointestinal Hereditary Tumours (InSiGHT)
Classification: Pathogenic for Lynch Syndrome. Last evaluated: 2013-09-05. Review status: reviewed by expert panel. Criteria: Guidelines v1.9. Collection method: research. Allele origin: germline.
Comment: Coding sequence variation resulting in a stop codon

Classified with v1.9 guidelines

Myriad Genetics, Inc.
Classification: Pathogenic for Lynch syndrome 5. Last evaluated: 2023-08-11. Review status: criteria provided, single submitter. Criteria: Myriad Autosomal Dominant, Autosomal Recessive and X-Linked Classification Criteria (2023). Collection method: clinical testing. Allele origin: unknown. Not counted in ClinVar's aggregate classification.
Comment: This variant is considered pathogenic. This variant creates a termination codon and is predicted to result in premature protein truncation.

Institute for Clinical Genetics, University Hospital TU Dresden, University Hospital TU Dresden
Classification: Pathogenic. Last evaluated: 2022-03-23. Review status: criteria provided, single submitter. Criteria: ACMG Guidelines, 2015. Collection method: clinical testing. Allele origin: germline. Not counted in ClinVar's aggregate classification.
Comment: PVS1, PM2_SUP, PS3